The following is an entry in ClinVar:

NM_006218.4(PIK3CA):c.364G>A (p.Gly122Ser)

Gene: PIK3CA (phosphatidylinositol-4,5-bisphosphate 3-kinase catalytic subunit alpha; plus strand). Cytogenetic location: 3q26.32.
Variant type: single nucleotide variant.
Coding change: c.364G>A on transcript NM_006218.4 (MANE Select); coding-DNA position 364, G replaced by A.
Protein change: p.Gly122Ser; replaces glycine 122 with serine.
Molecular consequence: missense variant.
Genome position (GRCh38, 1-based): chr3:179,199,701, G>A. VCF-style: chr3-179199701-G-A. GRCh37 (hg19) VCF-style: chr3-178917489-G-A.
Other names: short protein forms G122S.
Identifiers: ClinVar variation 1733597 (VCV001733597.2), dbSNP rs754044428, ClinGen allele CA2710533.
Genomic context (GRCh38, chr3:179,199,701, plus strand): 5'-TGCTGTGTATGTAATAGAATGTTATATTCTTTATGTAATTTTATTAAAGGTTTTGCTATC[G>A]GCATGCCAGTGTGTGAATTTGATATGGTTAAAGATCCAGAAGTACAGGACTTCCGAAGAA-3'
Protein context (NP_006209.2, residues 112-132): ILNREIGFAI[Gly122Ser]MPVCEFDMVK

ClinVar aggregate classification (germline): Uncertain significance (1 of 4 stars; one submission).

Conditions:
Inborn genetic diseases. Identifiers: MedGen C0950123, MeSH D030342.

Allele frequency attached by ClinVar (database versions not stated): gnomAD exomes below 0.00001; ExAC 0.00001.
gnomAD v4.1: 4 of 1,606,654 alleles (0.00025%); highest among the groups gnomAD compares: East Asian, 0.0022%; no homozygotes.

Submission:

Ambry Genetics
Classification: Uncertain significance for Inborn genetic diseases. Last evaluated: 2022-01-31. Review status: criteria provided, single submitter. Criteria: Ambry Variant Classification Scheme 2023. Collection method: clinical testing. Allele origin: germline.
Comment: The p.G122S variant (also known as c.364G>A), located in coding exon 2 of the PIK3CA gene, results from a G to A substitution at nucleotide position 364. The glycine at codon 122 is replaced by serine, an amino acid with similar properties. This amino acid position is conserved. In addition, the in silico prediction for this alteration is inconclusive. Since supporting evidence is limited at this time, the clinical significance of this alteration remains unclear.